The following is an entry in ClinVar:

NM_002334.4(LRP4):c.4414G>A (p.Glu1472Lys)

Genes: LRP4 (LDL receptor related protein 4; minus strand), LRP4-AS1 (LRP4 antisense RNA 1; plus strand). Cytogenetic location: 11p11.2.
Variant type: single nucleotide variant.
Coding change: c.4414G>A on transcript NM_002334.4 (MANE Select); coding-DNA position 4414, G replaced by A.
Protein change: p.Glu1472Lys; replaces glutamic acid 1472 with lysine.
Molecular consequence: missense variant. On other transcripts: non-coding transcript variant (1).
Genome position (GRCh38, 1-based): chr11:46,873,409, C>T on the plus strand (G>A on the coding strand, the complement: LRP4 is on the minus strand). VCF-style: chr11-46873409-C-T. GRCh37 (hg19) VCF-style: chr11-46894960-C-T.
Other names: short protein forms E1472K.
Identifiers: ClinVar variation 3902538 (VCV003902538.1).

ClinVar aggregate classification (germline): Uncertain significance (1 of 4 stars; one submission).

Submission:

Women's Health and Genetics/Laboratory Corporation of America, LabCorp
Classification: Uncertain significance. Last evaluated: 2025-05-05. Review status: criteria provided, single submitter. Criteria: LabCorp Variant Classification Summary - May 2015. Collection method: clinical testing. Allele origin: germline.
Comment: Variant summary: LRP4 c.4414G>A (p.Glu1472Lys) results in a conservative amino acid change in the encoded protein sequence. Algorithms developed to predict the effect of missense changes on protein structure and function are either unavailable or do not agree on the potential impact of this missense change. The variant was absent in 251248 control chromosomes. The available data on variant occurrences in the general population are insufficient to allow any conclusion about variant significance. To our knowledge, no occurrence of c.4414G>A in individuals affected with LRP4-Related Disorders and no experimental evidence demonstrating its impact on protein function have been reported. No submitters have cited clinical-significance assessments for this variant to ClinVar. Based on the evidence outlined above, the variant was classified as uncertain significance.